The following is an entry in ClinVar:

NM_000257.4(MYH7):c.3972+15C>T

Gene: MYH7 (myosin heavy chain 7; minus strand). Cytogenetic location: 14q11.2.
Variant type: single nucleotide variant.
Coding change: c.3972+15C>T on transcript NM_000257.4 (MANE Select); 15 bases into the intron after coding-DNA position 3972, C replaced by T.
Molecular consequence: intron variant.
Genome position (GRCh38, 1-based): chr14:23,419,162, G>A on the plus strand (C>T on the coding strand, the complement: MYH7 is on the minus strand). VCF-style: chr14-23419162-G-A. GRCh37 (hg19) VCF-style: chr14-23888371-G-A.
Identifiers: ClinVar variation 42983 (VCV000042983.38), dbSNP rs3729820, ClinGen allele CA014269.

ClinVar aggregate classification (germline): Benign/Likely benign. Review status: criteria provided, multiple submitters, no conflicts (2 of 4 stars). 18 submissions from 16 submitters: Benign (8); Likely benign (3). 7 of the submissions do not count toward it. Last evaluated 2026-02-04.

Conditions:
Myosin storage myopathy (CMYO7A). Also called: MYOPATHY WITH LYSIS OF TYPE I MYOFIBRILS; MYOPATHY, HYALINE BODY, AUTOSOMAL DOMINANT; MYH7-related late-onset scapuloperoneal muscular dystrophy; Congenital myopathy 7A, myosin storage, autosomal dominant; SCAPULOPERONEAL MUSCULAR DYSTROPHY; SCAPULOPERONEAL SYNDROME, MYOPATHIC TYPE. Identifiers: Orphanet 437572, Orphanet 636965, MedGen C1842160, MONDO:0008409, OMIM 608358.
Cardiovascular phenotype. Identifiers: MedGen CN230736.
Hypertrophic cardiomyopathy 1 (CMH1). Also called: MYH7-Related Familial Hypertrophic Cardiomyopathy; Familial hypertrophic cardiomyopathy 1. Identifiers: MedGen C3495498, MONDO:0008647, OMIM 192600.
MYH7-related skeletal myopathy. Also called: Myopathy, distal, 1; Laing distal myopathy; Laing early-onset distal myopathy; MYOPATHY, DISTAL, EARLY-ONSET, AUTOSOMAL DOMINANT; MYOPATHY, LATE DISTAL HEREDITARY. Identifiers: Orphanet 59135, MedGen C4552004, MONDO:0008050, OMIM 160500.
Hypertrophic cardiomyopathy. Also called: HYPERTROPHIC MYOCARDIOPATHY. Identifiers: Orphanet 217569, MedGen C0007194, MeSH D002312, MONDO:0005045, HP:0001639.

Allele frequency attached by ClinVar (database versions not stated): 1000 Genomes Project 0.00459; 1000 Genomes Project 30x 0.00468; TOPMed 0.00812; ESP Exome Variant Server 0.01007; gnomAD 0.01128 and 0.01159.
gnomAD v4.1: 22,007 of 1,612,430 alleles (1.4%); highest among the groups gnomAD compares: Non-Finnish European, 1.5%; 214 homozygotes.

Submissions (18):

Labcorp Genetics (formerly Invitae), Labcorp
Classification: Benign for Hypertrophic cardiomyopathy. Last evaluated: 2026-02-04. Review status: criteria provided, single submitter. Criteria: Invitae Variant Classification Sherloc (09022015). Collection method: clinical testing. Allele origin: germline.

ARUP Laboratories, Molecular Genetics and Genomics, ARUP Laboratories
Classification: Benign. Last evaluated: 2025-04-09. Review status: criteria provided, single submitter. Criteria: ARUP Molecular Germline Variant Investigation Process 2024. Collection method: clinical testing. Allele origin: germline.

Blueprint Genetics
Classification: Likely benign. Last evaluated: 2024-11-26. Review status: criteria provided, single submitter. Criteria: ACMG Guidelines, 2015. Collection method: clinical testing. Allele origin: germline.

Illumina Laboratory Services, Illumina
Classification: Likely benign for Hypertrophic cardiomyopathy 1. Last evaluated: 2018-01-13. Review status: criteria provided, single submitter. Criteria: ICSL Variant Classification Criteria 13 December 2019. Collection method: clinical testing. Allele origin: germline.
Comment: This variant was observed in the ICSL laboratory as part of a predisposition screen in an ostensibly healthy population. It had not been previously curated by ICSL or reported in the Human Gene Mutation Database (HGMD: prior to June 1st, 2018), and was therefore a candidate for classification through an automated scoring system. Utilizing variant allele frequency, disease prevalence and penetrance estimates, and inheritance mode, an automated score was calculated to assess if this variant is too frequent to cause the disease. Based on the score and internal cut-off values, a variant classified as likely benign is not then subjected to further curation. The score for this variant resulted in a classification of likely benign for this disease.

Illumina Laboratory Services, Illumina
Classification: Benign for MYH7-related skeletal myopathy. Last evaluated: 2018-01-13. Review status: criteria provided, single submitter. Criteria: ICSL Variant Classification Criteria 13 December 2019. Collection method: clinical testing. Allele origin: germline.
Comment: This variant was observed in the ICSL laboratory as part of a predisposition screen in an ostensibly healthy population. It had not been previously curated by ICSL or reported in the Human Gene Mutation Database (HGMD: prior to June 1st, 2018), and was therefore a candidate for classification through an automated scoring system. Utilizing variant allele frequency, disease prevalence and penetrance estimates, and inheritance mode, an automated score was calculated to assess if this variant is too frequent to cause the disease. Based on the score and internal cut-off values, a variant classified as benign is not then subjected to further curation. The score for this variant resulted in a classification of benign for this disease.

Illumina Laboratory Services, Illumina
Classification: Benign for Myosin storage myopathy. Last evaluated: 2018-01-13. Review status: criteria provided, single submitter. Criteria: ICSL Variant Classification Criteria 13 December 2019. Collection method: clinical testing. Allele origin: germline.
Comment: the same text as in the submission from Illumina Laboratory Services, Illumina above.

GeneDx
Classification: Benign. Last evaluated: 2015-03-03. Review status: criteria provided, single submitter. Criteria: GeneDx Variant Classification Process June 2021. Collection method: clinical testing. Allele origin: germline. Affected: yes.

Ambry Genetics
Classification: Benign for Cardiovascular phenotype. Last evaluated: 2014-12-18. Review status: criteria provided, single submitter. Criteria: Ambry Variant Classification Scheme 2023. Collection method: clinical testing. Allele origin: germline.

Laboratory for Molecular Medicine, Mass General Brigham Personalized Medicine
Classification: Benign. Last evaluated: 2011-09-22. Review status: criteria provided, single submitter. Criteria: LMM Criteria. Collection method: clinical testing. Allele origin: germline. Observed: 62 variant alleles.
Comment: This variant is classified as benign because it is located in the intron outside the splice consensus and occurs in the general population at a frequency of >1% (rs3729820).

Breakthrough Genomics
Classification: Likely benign. Review status: criteria provided, single submitter. Criteria: ACMG Guidelines, 2015. Collection method: not provided. Allele origin: germline. Inheritance: Autosomal recessive inheritance. Affected: yes.

PreventionGenetics, part of Exact Sciences
Classification: Benign. Review status: criteria provided, single submitter. Criteria: ACMG Guidelines, 2015. Collection method: clinical testing. Allele origin: germline.

Cohesion Phenomics
Classification: Benign for Hypertrophic Cardiomyopathy. Last evaluated: 2022-09-27. Review status: no assertion criteria provided. Criteria: ACMG Guidelines, 2015. Collection method: clinical testing. Allele origin: germline. Affected: yes. Not counted in ClinVar's aggregate classification.

Clinical Genetics DNA and cytogenetics Diagnostics Lab, Erasmus MC, Erasmus Medical Center
Classification: Benign. Review status: no assertion criteria provided. Collection method: clinical testing. Allele origin: germline. Affected: yes. Study: VKGL Data-share Consensus. Not counted in ClinVar's aggregate classification.

Clinical Genetics, Academic Medical Center
Classification: Benign. Review status: no assertion criteria provided. Collection method: clinical testing. Allele origin: germline. Affected: yes. Study: VKGL Data-share Consensus. Not counted in ClinVar's aggregate classification.

Diagnostic Laboratory, Department of Genetics, University Medical Center Groningen
Classification: Benign. Review status: no assertion criteria provided. Collection method: clinical testing. Allele origin: germline. Affected: yes. Study: VKGL Data-share Consensus. Not counted in ClinVar's aggregate classification.

Genome Diagnostics Laboratory, University Medical Center Utrecht
Classification: Benign. Review status: no assertion criteria provided. Collection method: clinical testing. Allele origin: germline. Affected: yes. Study: VKGL Data-share Consensus. Not counted in ClinVar's aggregate classification.

Joint Genome Diagnostic Labs from Nijmegen and Maastricht, Radboudumc and MUMC+
Classification: Benign. Review status: no assertion criteria provided. Collection method: clinical testing. Allele origin: germline. Affected: yes. Study: VKGL Data-share Consensus. Not counted in ClinVar's aggregate classification.

Laboratory of Diagnostic Genome Analysis, Leiden University Medical Center (LUMC)
Classification: Likely benign. Review status: no assertion criteria provided. Collection method: clinical testing. Allele origin: germline. Affected: yes. Study: VKGL Data-share Consensus. Not counted in ClinVar's aggregate classification.